The following is an entry in ClinVar:

ClinVar aggregate classification (germline): Likely pathogenic (1 of 4 stars; one submission).

Conditions:
TP63-related disorder. Also called: TP63-Related Disorders; TP63-related condition. Identifiers: MedGen CN380159.

Submission:

PreventionGenetics, part of Exact Sciences
Classification: Likely pathogenic for TP63-related condition. Last evaluated: 2025-11-21. Review status: criteria provided, single submitter. Criteria: ACMG Guidelines, 2015. Collection method: clinical testing. Allele origin: germline.
Comment: The TP63 c.31C>T variant is predicted to result in premature protein termination (p.Gln11*). This variant has been reported in mother and daughter, both affected with ectodermal dysplasia (Family 1, Rinne et al. 2008. PubMed ID: 18364388). Functional studies show that this variant leads to translation re-initiation at methionine at position 26, resulting in loss of first 25 amino acids and therefore loss of transactivation domain and loss of protein function (Rinne et al. 2008. PubMed ID: 18364388; Δ1-25 deletion; Lena et al. 2015. PubMed ID: 26408908). This variant has not been reported in a large population database (gnomAD), indicating this variant is rare. Nonsense variants in TP63 are expected to be pathogenic, however no loss-of-function variant was reported upstream of this variant. In summary, this variant is interpreted as likely pathogenic.

NM_001114980.2(TP63):c.31C>T (p.Gln11Ter)

Gene: TP63 (tumor protein p63; plus strand). Cytogenetic location: 3q28.
Variant type: single nucleotide variant.
Coding change: c.31C>T on transcript NM_001114980.2 (MANE Plus Clinical); coding-DNA position 31, C replaced by T.
Protein change: p.Gln11Ter; replaces glutamine 11 with a stop codon.
Molecular consequence: nonsense. On other transcripts: intron variant (6).
Genome position (GRCh38, 1-based): chr3:189,789,831, C>T. VCF-style: chr3-189789831-C-T. GRCh37 (hg19) VCF-style: chr3-189507620-C-T.
Other names: c.31C>T, p.Gln11Ter (NM_001114981.2, NM_001114982.2, NM_001329145.2 and 3 more transcripts); c.319-18441C>T (NM_001329964.2); c.325-18441C>T (NM_003722.5, NM_001114978.2, NM_001329144.2 and 2 more transcripts); short protein forms Q11*.
Identifiers: ClinVar variation 4991429 (VCV004991429.1).
Genomic context (GRCh38, chr3:189,789,831, plus strand): 5'-ACAGCAGCATTGATCAATCTTACAGCTAACATGTTGTACCTGGAAAACAATGCCCAGACT[C>T]AATTTAGTGAGGTAAGGATTTTAGATTTTAGCACTCCATTTAGAGATGCTTTTTAATTTT-3'